The following is an entry in ClinVar:

NM_000383.4(AIRE):c.68A>G (p.Asp23Gly)

Gene: AIRE (autoimmune regulator; plus strand). Cytogenetic location: 21q22.3.
Variant type: single nucleotide variant.
Coding change: c.68A>G on transcript NM_000383.4 (MANE Select); coding-DNA position 68, A replaced by G.
Protein change: p.Asp23Gly; replaces aspartic acid 23 with glycine.
Molecular consequence: missense variant.
Genome position (GRCh38, 1-based): chr21:44,286,074, A>G. VCF-style: chr21-44286074-A-G. GRCh37 (hg19) VCF-style: chr21-45705957-A-G.
Other names: short protein forms D23G.
Identifiers: ClinVar variation 1377867 (VCV001377867.6), dbSNP rs2040478254, ClinGen allele CA410423039.

ClinVar aggregate classification (germline): Uncertain significance (1 of 4 stars; one submission).

Conditions:
Polyglandular autoimmune syndrome, type 1 (APS1). Also called: PGA I; Autoimmune polyendocrinopathy syndrome , type I, with or without reversible metaphyseal dysplasia; AUTOIMMUNE POLYENDOCRINE SYNDROME, TYPE I, WITH OR WITHOUT REVERSIBLE METAPHYSEAL DYSPLASIA; HYPOADRENOCORTICISM WITH HYPOPARATHYROIDISM AND SUPERFICIAL MONILIASIS; Whitaker syndrome; APS I. Identifiers: Orphanet 3453, MedGen C0085859, MONDO:0009411, OMIM 240300.

Submission:

Labcorp Genetics (formerly Invitae), Labcorp
Classification: Uncertain significance for Polyglandular autoimmune syndrome, type 1. Last evaluated: 2021-08-27. Review status: criteria provided, single submitter. Criteria: Invitae Variant Classification Sherloc (09022015). Collection method: clinical testing. Allele origin: germline.
Comment: In summary, the available evidence is currently insufficient to determine the role of this variant in disease. Therefore, it has been classified as a Variant of Uncertain Significance. Advanced modeling of protein sequence and biophysical properties (such as structural, functional, and spatial information, amino acid conservation, physicochemical variation, residue mobility, and thermodynamic stability) performed at Invitae indicates that this missense variant is expected to disrupt AIRE protein function. This variant has not been reported in the literature in individuals affected with AIRE-related conditions. The frequency data for this variant in the population databases is considered unreliable, as metrics indicate insufficient coverage at this position in the ExAC database. This sequence change replaces aspartic acid with glycine at codon 23 of the AIRE protein (p.Asp23Gly). The aspartic acid residue is highly conserved and there is a moderate physicochemical difference between aspartic acid and glycine.